The following is an entry in ClinVar:

NM_000104.4(CYP1B1):c.256C>A (p.Gln86Lys)

Gene: CYP1B1 (cytochrome P450 family 1 subfamily B member 1; minus strand). Cytogenetic location: 2p22.2.
Variant type: single nucleotide variant.
Coding change: c.256C>A on transcript NM_000104.4 (MANE Select); coding-DNA position 256, C replaced by A.
Protein change: p.Gln86Lys; replaces glutamine 86 with lysine.
Molecular consequence: missense variant.
Genome position (GRCh38, 1-based): chr2:38,075,133, G>T on the plus strand (C>A on the coding strand, the complement: CYP1B1 is on the minus strand). VCF-style: chr2-38075133-G-T. GRCh37 (hg19) VCF-style: chr2-38302276-G-T.
Other names: NM_000104.4:c.256C>A; short protein forms Q86K.
Identifiers: ClinVar variation 5037935 (VCV005037935.1).

ClinVar aggregate classification (germline): Uncertain significance (3 of 4 stars; one submission).

Conditions:
CYP1B1-related glaucoma with or without anterior segment dysgenesis. Identifiers: MedGen CN375931, MONDO:0800472.

Submission:

ClinGen Glaucoma Variant Curation Expert Panel
Classification: Uncertain significance for CYP1B1-related glaucoma with or without anterior segment dysgenesis. Last evaluated: 2026-10-27. Review status: reviewed by expert panel. Criteria: ClinGen Glaucoma ACMG Specifications CYP1B1 V2.0. Collection method: curation. Allele origin: germline. Inheritance: Autosomal recessive inheritance.
Comment: The c.256C>A variant in CYP1B1 is a missense variant predicted to cause substitution of Glutamine by Lysine at amino acid 86 (p.Gln86Lys). This variant was not found in any genetic ancestry group of gnomAD (v4.1), meeting the ≤ 0.0005 threshold set for PM2_Supporting in a genetic ancestry group of at least 2,000 alleles. This missense variant was not predicted to affect splicing, as assessed with SpliceAI (≤ 0.1) and the REVEL score = 0.498, which was neither above nor below the thresholds for PP3 (≥ 0.644) or BP4 (≤ 0.290), predicting a damaging or benign impact on CYP1B1 function. There was no functional evidence predicting a damaging or benign impact of this variant on CYP1B1 function. This variant has been identified in two individuals with a CYP1B1-related phenotype. One of these individuals is compound heterozygous for the variant and a likely pathogenic variant (phase unknown) and one individual is compound heterozygous for the variant and a variant of uncertain significance (phase unknown) (PMID: 31149863). Total proband points = 0.5, meeting PM3_Supporting. In summary, this variant met the criteria to receive a score of 2 and to be classified as a variant of uncertain significance (uncertain significance classification range -1 to 5, adapted from PMID: 32720330) for CYP1B1-related glaucoma with or without anterior segment dysgenesis (ASD) based on the ACMG/AMP criteria met, as specified by the ClinGen Glaucoma VCEP (v2.0, 16.07.2026): PM2_Supporting, PM3_Supporting